The following is an entry in ClinVar:

ClinVar aggregate classification (germline): Benign/Likely benign. Review status: criteria provided, multiple submitters, no conflicts (2 of 4 stars). 13 submissions from 13 submitters: Benign (7); Likely benign (1). 5 of the submissions do not count toward it. Last evaluated 2026-02-03.

Conditions:
SCN2A-related disorder. Also called: SCN2A-related condition; SCN2A-related disorders. Identifiers: MedGen CN382226, MONDO:1060245.
Inborn genetic diseases. Identifiers: MedGen C0950123, MeSH D030342.
Developmental and epileptic encephalopathy, 11 (DEE11). Also called: Early infantile epileptic encephalopathy 11. Identifiers: Orphanet 1934, MedGen C3150987, MONDO:0013388, OMIM 613721.
Episodic ataxia, type 9. Identifiers: MedGen C5394520, MONDO:0030064, OMIM 618924.
Seizures, benign familial infantile, 3 (BFIS3). Also called: CONVULSIONS, BENIGN FAMILIAL INFANTILE, 3; Familial neonatal seizures. Identifiers: Orphanet 140927, Orphanet 306, MedGen C1843140, MONDO:0011904, OMIM 607745.

Allele frequency attached by ClinVar (database versions not stated): ExAC 0.00264; TOPMed 0.01002; gnomAD exomes 0.00228 and 0.00085; ESP Exome Variant Server 0.00846; gnomAD 0.00908 and 0.00850; 1000 Genomes Project 30x 0.01046; 1000 Genomes Project 0.00919.
gnomAD v4.1: 2,591 of 1,613,846 alleles (0.16%); highest among the groups gnomAD compares: African/African-American, 2.8%; 33 homozygotes.

Submissions (13):

Labcorp Genetics (formerly Invitae), Labcorp
Classification: Benign for Seizures, benign familial infantile, 3; Developmental and epileptic encephalopathy, 11. Last evaluated: 2026-02-03. Review status: criteria provided, single submitter. Criteria: Invitae Variant Classification Sherloc (09022015). Collection method: clinical testing. Allele origin: germline.

Athena Diagnostics
Classification: Benign. Last evaluated: 2024-06-11. Review status: criteria provided, single submitter. Criteria: Athena Diagnostics Criteria. Collection method: clinical testing. Allele origin: unknown.

Fulgent Genetics
Classification: Likely benign for Seizures, benign familial infantile, 3; Developmental and epileptic encephalopathy, 11; Episodic ataxia, type 9. Last evaluated: 2021-10-08. Review status: criteria provided, single submitter. Criteria: ACMG Guidelines, 2015. Collection method: clinical testing. Allele origin: unknown.

Mayo Clinic Laboratories, Mayo Clinic
Classification: Benign. Last evaluated: 2019-03-20. Review status: criteria provided, single submitter. Criteria: ACMG Guidelines, 2015. Collection method: clinical testing. Allele origin: germline. Observed: 11 variant alleles.

Illumina Laboratory Services, Illumina
Classification: Benign for Seizures, benign familial infantile, 3. Last evaluated: 2018-01-13. Review status: criteria provided, single submitter. Criteria: ICSL Variant Classification Criteria 13 December 2019. Collection method: clinical testing. Allele origin: germline.
Comment: This variant was observed in the ICSL laboratory as part of a predisposition screen in an ostensibly healthy population. It had not been previously curated by ICSL or reported in the Human Gene Mutation Database (HGMD: prior to June 1st, 2018), and was therefore a candidate for classification through an automated scoring system. Utilizing variant allele frequency, disease prevalence and penetrance estimates, and inheritance mode, an automated score was calculated to assess if this variant is too frequent to cause the disease. Based on the score and internal cut-off values, a variant classified as benign is not then subjected to further curation. The score for this variant resulted in a classification of benign for this disease.

Ambry Genetics
Classification: Benign for Inborn genetic diseases. Last evaluated: 2016-06-21. Review status: criteria provided, single submitter. Criteria: Ambry Variant Classification Scheme 2023. Collection method: clinical testing. Allele origin: germline.

GeneDx
Classification: Benign. Last evaluated: 2012-04-26. Review status: criteria provided, single submitter. Criteria: GeneDx Variant Classification (06012015). Collection method: clinical testing. Allele origin: germline. Affected: yes.
Comment: This variant is considered likely benign or benign based on one or more of the following criteria: it is a conservative change, it occurs at a poorly conserved position in the protein, it is predicted to be benign by multiple in silico algorithms, and/or has population frequency not consistent with disease.

Breakthrough Genomics
Classification: Benign. Review status: criteria provided, single submitter. Criteria: ACMG Guidelines, 2015. Collection method: not provided. Allele origin: germline. Inheritance: Autosomal dominant inheritance. Affected: yes.

PreventionGenetics, part of Exact Sciences
Classification: Benign for SCN2A-related condition. Last evaluated: 2022-06-21. Review status: no assertion criteria provided. Collection method: clinical testing. Allele origin: germline. Not counted in ClinVar's aggregate classification.
Comment: This variant is classified as benign based on ACMG/AMP sequence variant interpretation guidelines (Richards et al. 2015 PMID: 25741868, with internal and published modifications).

Clinical Genetics DNA and cytogenetics Diagnostics Lab, Erasmus MC, Erasmus Medical Center
Classification: Benign. Review status: no assertion criteria provided. Collection method: clinical testing. Allele origin: germline. Affected: yes. Study: VKGL Data-share Consensus. Not counted in ClinVar's aggregate classification.

Diagnostic Laboratory, Department of Genetics, University Medical Center Groningen
Classification: Benign. Review status: no assertion criteria provided. Collection method: clinical testing. Allele origin: germline. Affected: yes. Study: VKGL Data-share Consensus. Not counted in ClinVar's aggregate classification.

Genetic Services Laboratory, University of Chicago
Classification: Likely benign for AllHighlyPenetrant. Review status: no assertion criteria provided. Collection method: clinical testing. Allele origin: germline. Inheritance: Autosomal dominant inheritance. Not counted in ClinVar's aggregate classification.
Comment: Likely benign based on allele frequency in 1000 Genomes Project or ESP global frequency and its presence in a patient with a rare or unrelated disease phenotype. NOT Sanger confirmed.

Genome Diagnostics Laboratory, University Medical Center Utrecht
Classification: Likely benign. Review status: no assertion criteria provided. Collection method: clinical testing. Allele origin: germline. Affected: yes. Study: VKGL Data-share Consensus. Not counted in ClinVar's aggregate classification.

NM_001040142.2(SCN2A):c.5919C>T (p.Pro1973=)

Gene: SCN2A (sodium voltage-gated channel alpha subunit 2; plus strand). Cytogenetic location: 2q24.3.
Variant type: single nucleotide variant.
Coding change: c.5919C>T on transcript NM_001040142.2 (MANE Select); coding-DNA position 5919, C replaced by T.
Protein change: p.Pro1973=; no amino-acid change (proline 1973 retained).
Molecular consequence: synonymous variant.
Genome position (GRCh38, 1-based): chr2:165,389,725, C>T. VCF-style: chr2-165389725-C-T. GRCh37 (hg19) VCF-style: chr2-166246235-C-T.
Other names: p.P1973P:CCC>CCT; p.Pro1973=; c.5919C>T, p.Pro1973= (NM_001040143.2, NM_001371246.1, NM_001371247.1 and 1 more transcripts).
Identifiers: ClinVar variation 130226 (VCV000130226.35), dbSNP rs73025979, ClinGen allele CA289029.
Genomic context (GRCh38, chr2:165,389,725, plus strand): 5'-ACTGAATGAGAATTCAACTCCAGAGAAAACCGATATGACGCCTTCCACCACGTCTCCACC[C>T]TCGTATGATAGTGTGACCAAACCAGAAAAAGAAAAATTTGAAAAAGACAAATCAGAAAAG-3'
Protein context (NP_001035232.1, residues 1963-1983): TDMTPSTTSP[Pro1973=]SYDSVTKPEK